The following is an entry in ClinVar:

NM_004991.4(MECOM):c.1322A>G (p.Gln441Arg)

Gene: MECOM (MDS1 and EVI1 complex locus; minus strand). Cytogenetic location: 3q26.2.
Variant type: single nucleotide variant.
Coding change: c.1322A>G on transcript NM_004991.4 (MANE Select); coding-DNA position 1322, A replaced by G.
Protein change: p.Gln441Arg; replaces glutamine 441 with arginine.
Molecular consequence: missense variant. On other transcripts: intron variant (2).
Genome position (GRCh38, 1-based): chr3:169,116,550, T>C on the plus strand (A>G on the coding strand, the complement: MECOM is on the minus strand). VCF-style: chr3-169116550-T-C. GRCh37 (hg19) VCF-style: chr3-168834338-T-C.
Other names: c.953A>G, p.Gln318Arg (NM_001105077.4); c.758A>G, p.Gln253Arg (NM_001105078.4, NM_001164000.2, NM_001205194.2 and 4 more transcripts); c.761A>G, p.Gln254Arg (NM_001163999.2, NM_001366467.2, NM_001366468.2 and 1 more transcripts); c.1322A>G, p.Gln441Arg (NM_001366466.2); c.1133-783A>G (NM_001366473.2); c.569-783A>G (NM_001366474.2); c.1322A>G (NM_004991.3); short protein forms Q253R, Q254R, Q318R, Q441R.
Identifiers: ClinVar variation 1878921 (VCV001878921.4), dbSNP rs752172112, ClinGen allele CA2696359.

ClinVar aggregate classification (germline): Uncertain significance. Review status: criteria provided, multiple submitters, no conflicts (2 of 4 stars). 3 submissions from 3 submitters: Uncertain significance (2). 1 of the submissions does not count toward it. Last evaluated 2025-02-20.

Conditions:
Inborn genetic diseases. Identifiers: MedGen C0950123, MeSH D030342.

Allele frequency attached by ClinVar (database versions not stated): gnomAD exomes 0.00001; ExAC 0.00002.
gnomAD v4.1: 7 of 1,614,172 alleles (0.00043%); highest among the groups gnomAD compares: Admixed American, 0.012%; no homozygotes.

Submissions (3):

Ambry Genetics
Classification: Uncertain significance for Inborn genetic diseases. Last evaluated: 2025-02-20. Review status: criteria provided, single submitter. Criteria: Ambry Variant Classification Scheme 2023. Collection method: clinical testing. Allele origin: germline.
Comment: The p.Q441R variant (also known as c.1322A>G), located in coding exon 8 of the MECOM gene, results from an A to G substitution at nucleotide position 1322. The glutamine at codon 441 is replaced by arginine, an amino acid with highly similar properties. This amino acid position is conserved. In addition, this alteration is predicted to be tolerated by in silico analysis. Based on the available evidence, the clinical significance of this variant remains unclear.

GeneDx
Classification: Uncertain significance. Last evaluated: 2022-07-11. Review status: criteria provided, single submitter. Criteria: GeneDx Variant Classification Process June 2021. Collection method: clinical testing. Allele origin: germline. Affected: yes.
Comment: In silico analysis supports that this missense variant does not alter protein structure/function; Has not been previously published as pathogenic or benign to our knowledge

Genetic Services Laboratory, University of Chicago
Classification: Uncertain significance. Last evaluated: 2022-08-12. Review status: no assertion criteria provided. Collection method: clinical testing. Allele origin: germline. Affected: no. Not counted in ClinVar's aggregate classification.
Comment: DNA sequence analysis of the MECOM gene demonstrated a sequence change, c.758A>G, in exon 7 that results in an amino acid change, p.Gln253Arg. This sequence change does not appear to have been previously described in individuals with MECOM-related disorders. This sequence change has been described in the gnomAD database with a frequency of 0.02% in the Latino subpopulation (dbSNP rs752172112). The p.Gln253Arg change affects a highly conserved amino acid residue located in a domain of the MECOM protein that is not known to be functional. In-silico pathogenicity prediction tools (SIFT, Align GVGD, REVEL) provide contradictory results for the p.Gln253Arg substitution. Due to insufficient evidences and the lack of functional studies, the clinical significance of the p.Gln253Arg change remains unknown at this time.